The following is an entry in ClinVar:

NM_015100.4(POGZ):c.113A>T (p.Lys38Ile)

Gene: POGZ (pogo transposable element derived with ZNF domain; minus strand). Cytogenetic location: 1q21.3.
Variant type: single nucleotide variant.
Coding change: c.113A>T on transcript NM_015100.4 (MANE Select); coding-DNA position 113, A replaced by T.
Protein change: p.Lys38Ile; replaces lysine 38 with isoleucine.
Molecular consequence: missense variant.
Genome position (GRCh38, 1-based): chr1:151,442,092, T>A on the plus strand (A>T on the coding strand, the complement: POGZ is on the minus strand). VCF-style: chr1-151442092-T-A. GRCh37 (hg19) VCF-style: chr1-151414568-T-A.
Other names: c.113A>T, p.Lys38Ile (NM_001194937.2, NM_001194938.2, NM_145796.4 and 1 more transcripts); c.134A>T, p.Lys45Ile (NM_001410860.1); short protein forms K38I, K45I.
Identifiers: ClinVar variation 3371452 (VCV003371452.1).

ClinVar aggregate classification (germline): Uncertain significance (1 of 4 stars; one submission).

Submission:

GeneDx
Classification: Uncertain significance. Last evaluated: 2024-03-26. Review status: criteria provided, single submitter. Criteria: GeneDx Variant Classification Process June 2021. Collection method: clinical testing. Allele origin: germline. Affected: yes.
Comment: Not observed at significant frequency in large population cohorts (gnomAD); In silico analysis supports that this missense variant has a deleterious effect on protein structure/function; Has not been previously published as pathogenic or benign to our knowledge